The following is an entry in ClinVar:

ClinVar aggregate classification (germline): Uncertain significance. Review status: criteria provided, multiple submitters, no conflicts (2 of 4 stars). 2 submissions from 2 submitters: Uncertain significance (2). Last evaluated 2026-04-22.

Conditions:
Gorlin syndrome. Also called: Basal cell nevus syndrome; Nevoid Basal Cell Carcinoma Syndrome. Identifiers: Orphanet 377, MedGen C0004779, MONDO:0007187.
Medulloblastoma (MDB). Also called: Medulloblastoma, somatic; MEDULLOBLASTOMA PREDISPOSITION SYNDROME. Identifiers: Orphanet 616, MedGen C0025149, MeSH D008527, MONDO:0007959, OMIM 155255, HP:0002885.

Submissions (2):

GeneDx
Classification: Uncertain significance. Last evaluated: 2026-04-22. Review status: criteria provided, single submitter. Criteria: GeneDx Variant Classification Process June 2021. Collection method: clinical testing. Allele origin: germline.
Comment: Not observed at significant frequency in large population cohorts (gnomAD); In silico analysis supports that this missense variant has a deleterious effect on protein structure/function; Has not been previously published as pathogenic or benign to our knowledge; This variant is associated with the following publications: (PMID: 24311597)

Labcorp Genetics (formerly Invitae), Labcorp
Classification: Uncertain significance for Gorlin syndrome; Medulloblastoma. Last evaluated: 2025-12-22. Review status: criteria provided, single submitter. Criteria: Invitae Variant Classification Sherloc (09022015). Collection method: clinical testing. Allele origin: germline.
Comment: This sequence change replaces methionine, which is neutral and non-polar, with threonine, which is neutral and polar, at codon 141 of the SUFU protein (p.Met141Thr). This variant is not present in population databases (gnomAD no frequency). This variant has not been reported in the literature in individuals affected with SUFU-related conditions. ClinVar contains an entry for this variant (Variation ID: 3754506). Invitae Evidence Modeling of protein sequence and biophysical properties (such as structural, functional, and spatial information, amino acid conservation, physicochemical variation, residue mobility, and thermodynamic stability) has been performed for this missense variant. However, the output from this modeling did not meet the statistical confidence thresholds required to predict the impact of this variant on SUFU protein function. In summary, the available evidence is currently insufficient to determine the role of this variant in disease. Therefore, it has been classified as a Variant of Uncertain Significance.

NM_016169.4(SUFU):c.422T>C (p.Met141Thr)

Gene: SUFU (SUFU negative regulator of hedgehog signaling; plus strand). Cytogenetic location: 10q24.32.
Variant type: single nucleotide variant.
Coding change: c.422T>C on transcript NM_016169.4 (MANE Select); coding-DNA position 422, T replaced by C.
Protein change: p.Met141Thr; replaces methionine 141 with threonine.
Molecular consequence: missense variant.
Genome position (GRCh38, 1-based): chr10:102,550,074, T>C. VCF-style: chr10-102550074-T-C. GRCh37 (hg19) VCF-style: chr10-104309831-T-C.
Other names: c.422T>C, p.Met141Thr (NM_001178133.2); short protein forms M141T.
Identifiers: ClinVar variation 3754506 (VCV003754506.3).
Genomic context (GRCh38, chr10:102,550,074, plus strand): 5'-CCTTTCGTCTGAAGAGAGAAACTGGGGAGTCTGCCCCACCAACATGGCCCGCAGAGTTAA[T>C]GCAGGGCTTGGCACGATACGTGTTCCAGTCAGGTAGGAGGCCAGGGCTGGCTGCTGTGCT-3'
Protein context (NP_057253.2, residues 131-151): SAPPTWPAEL[Met141Thr]QGLARYVFQS